The following is an entry in ClinVar:

NM_014270.5(SLC7A9):c.340T>A (p.Trp114Arg)

Gene: SLC7A9 (solute carrier family 7 member 9; minus strand). Cytogenetic location: 19q13.11.
Variant type: single nucleotide variant.
Coding change: c.340T>A on transcript NM_014270.5 (MANE Select); coding-DNA position 340, T replaced by A.
Protein change: p.Trp114Arg; replaces tryptophan 114 with arginine.
Molecular consequence: missense variant.
Genome position (GRCh38, 1-based): chr19:32,864,234, A>T on the plus strand (T>A on the coding strand, the complement: SLC7A9 is on the minus strand). VCF-style: chr19-32864234-A-T. GRCh37 (hg19) VCF-style: chr19-33355140-A-T.
Other names: c.340T>A, p.Trp114Arg (NM_001126335.2, NM_001243036.2); short protein forms W114R.
Identifiers: ClinVar variation 3385072 (VCV003385072.1).
Genomic context (GRCh38, chr19:32,864,234, plus strand): 5'-CGGAGAAGCTGAGGCAGATGATGGCGAAGGACGTGGGCTTAATGACGATCAGGCTGGCCC[A>T]GGAGAAGAGGTAGGCGGGGATGGGCCCGTAGGCCTCCATCAGGTAGGGATACTCTCCCCC-3'
Protein context (NP_055085.1, residues 104-124): YGPIPAYLFS[Trp114Arg]ASLIVIKPTS

ClinVar aggregate classification (germline): Uncertain significance (1 of 4 stars; one submission).

Submission:

Women's Health and Genetics/Laboratory Corporation of America, LabCorp
Classification: Uncertain significance. Last evaluated: 2024-10-25. Review status: criteria provided, single submitter. Criteria: LabCorp Variant Classification Summary - May 2015. Collection method: clinical testing. Allele origin: germline.
Comment: Variant summary: SLC7A9 c.340T>A (p.Trp114Arg) results in a non-conservative amino acid change in the encoded protein sequence. Five of five in-silico tools predict a damaging effect of the variant on protein function. The variant was absent in 251294 control chromosomes (gnomAD). The available data on variant occurrences in the general population are insufficient to allow any conclusion about variant significance. c.340T>A has been reported in the literature in at least an individual affected with Cystinuria (examples: Bisceglia_2010, Perna_2008). These data do not allow any conclusion about variant significance. To our knowledge, no experimental evidence demonstrating an impact on protein function has been reported. The following publications have been ascertained in the context of this evaluation (PMID: 19782624, 18752446). No submitters have cited clinical-significance assessments for this variant to ClinVar. Based on the evidence outlined above, the variant was classified as uncertain significance.

Literature cited by the submitters: PubMed 18752446; PubMed 19782624.